The following is an entry in ClinVar:

ClinVar aggregate classification (germline): Uncertain significance (1 of 4 stars; one submission).

Submission:

Labcorp Genetics (formerly Invitae), Labcorp
Classification: Uncertain significance. Last evaluated: 2025-07-07. Review status: criteria provided, single submitter. Criteria: Invitae Variant Classification Sherloc (09022015). Collection method: clinical testing. Allele origin: germline.
Comment: This sequence change replaces cysteine, which is neutral and slightly polar, with tyrosine, which is neutral and polar, at codon 262 of the TRIM8 protein (p.Cys262Tyr). This variant is not present in population databases (gnomAD no frequency). This variant has not been reported in the literature in individuals affected with TRIM8-related conditions. ClinVar contains an entry for this variant (Variation ID: 3672011). An algorithm developed to predict the effect of missense changes on protein structure and function (PolyPhen-2) suggests that this variant is likely to be tolerated. In summary, the available evidence is currently insufficient to determine the role of this variant in disease. Therefore, it has been classified as a Variant of Uncertain Significance.

NM_030912.3(TRIM8):c.785G>A (p.Cys262Tyr)

Gene: TRIM8 (tripartite motif containing 8; plus strand). Cytogenetic location: 10q24.32.
Variant type: single nucleotide variant.
Coding change: c.785G>A on transcript NM_030912.3 (MANE Select); coding-DNA position 785, G replaced by A.
Protein change: p.Cys262Tyr; replaces cysteine 262 with tyrosine.
Molecular consequence: missense variant. On other transcripts: non-coding transcript variant (1).
Genome position (GRCh38, 1-based): chr10:102,655,198, G>A. VCF-style: chr10-102655198-G-A. GRCh37 (hg19) VCF-style: chr10-104414955-G-A.
Other names: c.689G>A, p.Cys230Tyr (NM_001345950.1); short protein forms C230Y, C262Y.
Identifiers: ClinVar variation 3672011 (VCV003672011.2).